The following is an entry in ClinVar:

NM_001077415.3(CRELD1):c.575G>A (p.Cys192Tyr)

Gene: CRELD1 (CRELD disulfide isomerase 1; plus strand). Cytogenetic location: 3p25.3.
Variant type: single nucleotide variant.
Coding change: c.575G>A on transcript NM_001077415.3 (MANE Select); coding-DNA position 575, G replaced by A.
Protein change: p.Cys192Tyr; replaces cysteine 192 with tyrosine.
Molecular consequence: missense variant. On other transcripts: non-coding transcript variant (3).
Genome position (GRCh38, 1-based): chr3:9,940,964, G>A. VCF-style: chr3-9940964-G-A. GRCh37 (hg19) VCF-style: chr3-9982648-G-A.
Other names: c.575G>A, p.Cys192Tyr (NM_001031717.4, NM_001374316.1, NM_001374317.1 and 4 more transcripts); short protein forms C192Y.
Identifiers: ClinVar variation 238218 (VCV000238218.45), dbSNP rs201866563, ClinGen allele CA2247733.
Genomic context (GRCh38, chr3:9,940,964, plus strand): 5'-AAGGGACACGAGGGGGCAGCGGGCACTGTGACTGCCAAGCCGGCTACGGGGGTGAGGCCT[G>A]TGGCCAGTGTGGCCTTGGCTACTTTGAGGCAGAACGCAACGCCAGCCATCTGGTATGTTC-3'
Protein context (NP_001070883.2, residues 182-202): DCQAGYGGEA[Cys192Tyr]GQCGLGYFEA

ClinVar aggregate classification (germline): Conflicting classifications of pathogenicity. Review status: criteria provided, conflicting classifications (1 of 4 stars). 9 submissions from 9 submitters: Pathogenic (4); Likely pathogenic (1); Uncertain significance (3). 1 of the submissions does not count toward it. Last evaluated 2026-07-31.

Conditions:
Jeffries-Lakhani neurodevelopmental syndrome. Identifiers: MedGen C5935596, MONDO:0958329, OMIM 620771.
Inborn genetic diseases. Identifiers: MedGen C0950123, MeSH D030342.
Atrioventricular septal defect, susceptibility to, 2. Identifiers: MedGen C1853508, MONDO:0011650, OMIM 606217.

Allele frequency attached by ClinVar (database versions not stated): TOPMed 0.00011; gnomAD 0.00013 and 0.00014; ExAC 0.00018; ESP Exome Variant Server 0.00023.
gnomAD v4.1: 522 of 1,614,058 alleles (0.032%); highest among the groups gnomAD compares: Non-Finnish European, 0.042%; no homozygotes.

Submissions (9):

GeneDx
Classification: Pathogenic. Last evaluated: 2026-07-31. Review status: criteria provided, single submitter. Criteria: GeneDx Variant Classification Process June 2021. Collection method: clinical testing. Allele origin: germline.
Comment: In silico analysis supports that this missense variant has a deleterious effect on protein structure/function; This variant is associated with the following publications: (PMID: 32437232, 37947183, 39313616, 40870020, 42248868, 27652284)

Undiagnosed Diseases Network, NIH
Classification: Likely pathogenic for Jeffries-Lakhani neurodevelopmental syndrome. Last evaluated: 2026-06-15. Review status: criteria provided, single submitter. Criteria: ACMG Guidelines, 2015. Collection method: clinical testing. Allele origin: maternal. Inheritance: Autosomal recessive inheritance. Affected: yes. Observed: 1 variant allele, 1 compound heterozygote. Study: Undiagnosed Diseases Network (NIH), UDN.

Ambry Genetics
Classification: Pathogenic for Inborn genetic diseases. Last evaluated: 2024-11-04. Review status: criteria provided, single submitter. Criteria: Ambry Variant Classification Scheme 2023. Collection method: clinical testing. Allele origin: germline.
Comment: The c.575G>A (p.C192Y) alteration is located in coding exon 5 of the CRELD1 gene. This alteration results from a G to A substitution at nucleotide position 575, causing the cysteine (C) at amino acid position 192 to be replaced by a tyrosine (Y). Based on data from gnomAD, the A allele has an overall frequency of 0.018% (52/282700) total alleles studied. The highest observed frequency was 0.037% (48/129056) of European (non-Finnish) alleles. In a cohort of individuals with biallelic variants in CRELD1 presenting with early-onset neurodevelopmental disorder features and slowly progressive non-neurologic features, this was detected in compound heterozygous form in nine probands and as a homozygous finding in one other proband (Jeffries, 2023). This amino acid position is highly conserved in available vertebrate species. This alteration is predicted to be deleterious by in silico analysis. Based on the available evidence, this alteration is classified as pathogenic.

Blueprint Genetics
Classification: Uncertain significance. Last evaluated: 2024-10-15. Review status: criteria provided, single submitter. Criteria: ACMG Guidelines, 2015. Collection method: clinical testing. Allele origin: germline.

Institute of Human Genetics, Heidelberg University
Classification: Pathogenic for Jeffries-Lakhani neurodevelopmental syndrome. Last evaluated: 2024-05-24. Review status: criteria provided, single submitter. Criteria: ACMG Guidelines, 2015. Collection method: clinical testing. Allele origin: maternal. Affected: yes.

Institute for Clinical Genetics, University Hospital TU Dresden, University Hospital TU Dresden
Classification: Pathogenic for Jeffries-Lakhani neurodevelopmental syndrome. Last evaluated: 2024-03-27. Review status: criteria provided, single submitter. Criteria: ACMG Guidelines, 2015. Collection method: clinical testing. Allele origin: maternal. Affected: yes.
Comment: The above-mentioned missense variant in the CRELD1 gene (NM_001077415.3:c.575G>A, p.(Cys192Tyr)) leads to an amino acid exchange at position 192 in the corresponding protein due to a base exchange at position 575 of the cDNA. Bioinformatic prediction algorithms do not indicate a generally increased sensitivity of the gene to missense variants (Z-score 0.97, PMID: 27535533) and estimate the effect of the variant on protein function as deleterious (REVEL score 0.69, PMID: 27666373). An actual effect was confirmed by functional studies in Xenopus tropicalis (PMID: 37947183). The variant was classified in the ClinVar database 4 times as a variant of unclear significance and once as pathogenic. In the specialist literature, the variant has been reported 14 times homozygous or compound heterozygous with a further alteration as the cause of disease in individuals with Jeffries-Lakhani syndrome (PMID: 37947183). In the population database gnomAD v4.1.0, the variant is listed 522 times, none of which are homozygous. According to current ACMG recommendations for variant evaluation (PMID 25741868), the criteria PS3_SUP, PM2_SUP, PM3_VSTR and PP3 are fulfilled, resulting in an evaluation as a pathogenic variant (ACMG class 5).

CeGaT Center for Human Genetics Tuebingen
Classification: Uncertain significance. Last evaluated: 2023-08-01. Review status: criteria provided, single submitter. Criteria: CeGaT Center For Human Genetics Tuebingen Variant Classification Criteria Version 2. Collection method: clinical testing. Allele origin: germline. Affected: yes. Observed: 1 variant allele.
Comment: CRELD1: PP3

Labcorp Genetics (formerly Invitae), Labcorp
Classification: Uncertain significance for Atrioventricular septal defect, susceptibility to, 2. Last evaluated: 2022-12-06. Review status: criteria provided, single submitter. Criteria: Invitae Variant Classification Sherloc (09022015). Collection method: clinical testing. Allele origin: germline.
Comment: In summary, the available evidence is currently insufficient to determine the role of this variant in disease. Therefore, it has been classified as a Variant of Uncertain Significance. Algorithms developed to predict the effect of missense changes on protein structure and function are either unavailable or do not agree on the potential impact of this missense change (SIFT: "Deleterious"; PolyPhen-2: "Probably Damaging"; Align-GVGD: "Class C0"). ClinVar contains an entry for this variant (Variation ID: 238218). This variant has not been reported in the literature in individuals affected with CRELD1-related conditions. This variant is present in population databases (rs201866563, gnomAD 0.04%), and has an allele count higher than expected for a pathogenic variant. This sequence change replaces cysteine, which is neutral and slightly polar, with tyrosine, which is neutral and polar, at codon 192 of the CRELD1 protein (p.Cys192Tyr).

OMIM
Classification: Pathogenic for JEFFRIES-LAKHANI NEURODEVELOPMENTAL SYNDROME. Last evaluated: 2024-03-29. Review status: no assertion criteria provided. Collection method: literature only. Allele origin: germline. Not counted in ClinVar's aggregate classification.

Literature cited by the submitters: PubMed 37947183 (cited by 3 submitters); PubMed 27652284 (cited by Ambry Genetics).